The following is an entry in ClinVar:

ClinVar aggregate classification (germline): Likely benign. Review status: criteria provided, multiple submitters, no conflicts (2 of 4 stars). 4 submissions from 4 submitters: Likely benign (3). 1 of the submissions does not count toward it. Last evaluated 2025-12-29.

Conditions:
LAMA5-related disorder. Also called: LAMA5-Related Disorders; LAMA5-related condition.

Allele frequency attached by ClinVar (database versions not stated): 1000 Genomes Project 0.00020; 1000 Genomes Project 30x 0.00031; gnomAD 0.00051 and 0.00048; TOPMed 0.00034; gnomAD exomes 0.00035 and 0.00042; ESP Exome Variant Server 0.00039; ExAC 0.00050.
gnomAD v4.1: 574 of 1,608,064 alleles (0.036%); highest among the groups gnomAD compares: Non-Finnish European, 0.041%; no homozygotes.

Submissions (4):

Labcorp Genetics (formerly Invitae), Labcorp
Classification: Likely benign. Last evaluated: 2025-12-29. Review status: criteria provided, single submitter. Criteria: Invitae Variant Classification Sherloc (09022015). Collection method: clinical testing. Allele origin: germline.

Blueprint Genetics
Classification: Likely benign. Last evaluated: 2024-11-05. Review status: criteria provided, single submitter. Criteria: ACMG Guidelines, 2015. Collection method: clinical testing. Allele origin: germline.

CeGaT Center for Human Genetics Tuebingen
Classification: Likely benign. Last evaluated: 2023-01-01. Review status: criteria provided, single submitter. Criteria: CeGaT Center For Human Genetics Tuebingen Variant Classification Criteria Version 2. Collection method: clinical testing. Allele origin: germline. Affected: yes. Observed: 3 variant alleles.
Comment: LAMA5: BP4

PreventionGenetics, part of Exact Sciences
Classification: Likely benign for LAMA5-related condition. Last evaluated: 2020-02-20. Review status: no assertion criteria provided. Collection method: clinical testing. Allele origin: germline. Not counted in ClinVar's aggregate classification.
Comment: This variant is classified as likely benign based on ACMG/AMP sequence variant interpretation guidelines (Richards et al. 2015 PMID: 25741868, with internal and published modifications).

NM_005560.6(LAMA5):c.9361-7C>T

Gene: LAMA5 (laminin subunit alpha 5; minus strand). Cytogenetic location: 20q13.33.
Variant type: single nucleotide variant.
Coding change: c.9361-7C>T on transcript NM_005560.6 (MANE Select); 7 bases into the intron before coding-DNA position 9361, C replaced by T.
Molecular consequence: intron variant.
Genome position (GRCh38, 1-based): chr20:62,312,323, G>A on the plus strand (C>T on the coding strand, the complement: LAMA5 is on the minus strand). VCF-style: chr20-62312323-G-A. GRCh37 (hg19) VCF-style: chr20-60887379-G-A.
Other names: c.9361-7C>T (NM_005560.4).
Identifiers: ClinVar variation 1553489 (VCV001553489.33), dbSNP rs371183907, ClinGen allele CA9940275.
Genomic context (GRCh38, chr20:62,312,323, plus strand): 5'-CGAGAGCGCCAGGCGAAGGAAGCCGTGGCCATGGAAAGTCATGGCGCGCCCCACCTGCGG[G>A]GAGGCCATCCCTGAGTGCCCGCGGGTGCCCCTGCATGTCCACAGATGCCACCCCCAGCCC-3'